The following is an entry in ClinVar:

NM_004560.4(ROR2):c.2027G>A (p.Trp676Ter)

Gene: ROR2 (receptor tyrosine kinase like orphan receptor 2; minus strand). Cytogenetic location: 9q22.31.
Variant type: single nucleotide variant.
Coding change: c.2027G>A on transcript NM_004560.4 (MANE Select); coding-DNA position 2027, G replaced by A.
Protein change: p.Trp676Ter; replaces tryptophan 676 with a stop codon.
Molecular consequence: nonsense.
Genome position (GRCh38, 1-based): chr9:91,724,467, C>T on the plus strand (G>A on the coding strand, the complement: ROR2 is on the minus strand). VCF-style: chr9-91724467-C-T. GRCh37 (hg19) VCF-style: chr9-94486749-C-T.
Other names: NM_004560.4:c.2027G>A; short protein forms W676*.
Identifiers: ClinVar variation 3383287 (VCV003383287.1).
Genomic context (GRCh38, chr9:91,724,467, plus strand): 5'-TACCCGCAGTAGGGCTGCAGGCCGTAGCTGAAGACCTCCCACAGGACCACACCGTAGGAC[C>T]AGATGTCTGAGTCGATGGAGAACTTGCCGTACATGATGGCCTCTGGGGCCATCCAGCGGA-3'

ClinVar aggregate classification (germline): Uncertain significance (1 of 4 stars; one submission).

Conditions:
Cleft lip. Also called: Cleft lip (disease). Identifiers: MedGen C4321245, MONDO:0004747, HP:0410030.

gnomAD v4.1: 3 of 1,614,190 alleles (0.00019%); highest among the groups gnomAD compares: Non-Finnish European, 0.00025%; no homozygotes.

Submission:

Broad Center for Mendelian Genomics, Broad Institute of MIT and Harvard
Classification: Uncertain significance for Cleft lip. Last evaluated: 2024-11-25. Review status: criteria provided, single submitter. Criteria: ACMG Guidelines, 2015. Collection method: curation. Allele origin: germline. Inheritance: Autosomal dominant inheritance. Study: GREGoR Consortium.
Comment: The heterozygous p.Trp676Ter variant in ROR2 was identified by our study in 2 family members with cleft lip. While this gene is still lacking sufficient evidence to establish a gene-disease relationship, we believe this is a possible novel gene candidate for cleft lip. Given the limited information about this gene-disease relationship, the significance of the p.Trp676Ter variant is uncertain. If you have any additional information about functional evidence or other individuals with this phenotype that also have variants in ROR2 we encourage you to reach out to us.